The following is an entry in ClinVar:

ClinVar aggregate classification (germline): Uncertain significance (1 of 4 stars; one submission).

Allele frequency attached by ClinVar (database versions not stated): gnomAD exomes 0.00001.
gnomAD v4.1: 7 of 1,573,244 alleles (0.00044%); highest among the groups gnomAD compares: South Asian, 0.0012%; no homozygotes.

Submission:

Labcorp Genetics (formerly Invitae), Labcorp
Classification: Uncertain significance. Last evaluated: 2023-06-23. Review status: criteria provided, single submitter. Criteria: Invitae Variant Classification Sherloc (09022015). Collection method: clinical testing. Allele origin: germline.
Comment: This sequence change replaces arginine, which is basic and polar, with glutamine, which is neutral and polar, at codon 872 of the BRD4 protein (p.Arg872Gln). This variant is not present in population databases (gnomAD no frequency). This variant has not been reported in the literature in individuals affected with BRD4-related conditions. An algorithm developed to predict the effect of missense changes on protein structure and function (PolyPhen-2) suggests that this variant is likely to be tolerated. In summary, the available evidence is currently insufficient to determine the role of this variant in disease. Therefore, it has been classified as a Variant of Uncertain Significance.

NM_001379291.1(BRD4):c.2615G>A (p.Arg872Gln)

Gene: BRD4 (bromodomain containing 4; minus strand). Cytogenetic location: 19p13.12.
Variant type: single nucleotide variant.
Coding change: c.2615G>A on transcript NM_001379291.1 (MANE Select); coding-DNA position 2615, G replaced by A.
Protein change: p.Arg872Gln; replaces arginine 872 with glutamine.
Molecular consequence: missense variant.
Genome position (GRCh38, 1-based): chr19:15,243,454, C>T on the plus strand (G>A on the coding strand, the complement: BRD4 is on the minus strand). VCF-style: chr19-15243454-C-T. GRCh37 (hg19) VCF-style: chr19-15354265-C-T.
Other names: c.2615G>A, p.Arg872Gln (NM_058243.3); short protein forms R872Q.
Identifiers: ClinVar variation 2776971 (VCV002776971.3), dbSNP rs2145512348, ClinGen allele CA404506266.